The following is an entry in ClinVar:

NM_001184880.2(PCDH19):c.482T>C (p.Phe161Ser)

Gene: PCDH19 (protocadherin 19; minus strand). Cytogenetic location: Xq22.1.
Variant type: single nucleotide variant.
Coding change: c.482T>C on transcript NM_001184880.2 (MANE Select); coding-DNA position 482, T replaced by C.
Protein change: p.Phe161Ser; replaces phenylalanine 161 with serine.
Molecular consequence: missense variant.
Genome position (GRCh38, 1-based): chrX:100,408,116, A>G on the plus strand (T>C on the coding strand, the complement: PCDH19 is on the minus strand). VCF-style: chrX-100408116-A-G. GRCh37 (hg19) VCF-style: chrX-99663114-A-G.
Other names: c.482T>C, p.Phe161Ser (NM_001105243.2, NM_020766.3); short protein forms F161S.
Identifiers: ClinVar variation 844585 (VCV000844585.9), dbSNP rs371028786, ClinGen allele CA10468988.

ClinVar aggregate classification (germline): Uncertain significance (1 of 4 stars; one submission).

Conditions:
Developmental and epileptic encephalopathy, 9 (DEE9). Also called: Early infantile epileptic encephalopathy 9; PCDH19-Related X-Linked Female-Limited Epilepsy with Mental Retardation; EPILEPSY, FEMALE-RESTRICTED, WITH MENTAL RETARDATION; JUBERG-HELLMAN SYNDROME. Identifiers: Orphanet 101039, Orphanet 2076, MedGen C1848137, MONDO:0010246, OMIM 300088. Disease mechanism: loss of function.

Allele frequency attached by ClinVar (database versions not stated): TOPMed 0.00001; gnomAD exomes 0.00002 and 0.00001; ExAC 0.00002; gnomAD 0.00003; ESP Exome Variant Server 0.00010.
gnomAD v4.1: 20 of 1,209,856 alleles (0.0017%); highest among the groups gnomAD compares: Non-Finnish European, 0.002%; no homozygotes.

Submission:

Labcorp Genetics (formerly Invitae), Labcorp
Classification: Uncertain significance for Developmental and epileptic encephalopathy, 9. Last evaluated: 2024-10-30. Review status: criteria provided, single submitter. Criteria: Invitae Variant Classification Sherloc (09022015). Collection method: clinical testing. Allele origin: germline.
Comment: This sequence change replaces phenylalanine, which is neutral and non-polar, with serine, which is neutral and polar, at codon 161 of the PCDH19 protein (p.Phe161Ser). This variant is present in population databases (rs371028786, gnomAD 0.004%). This variant has not been reported in the literature in individuals affected with PCDH19-related conditions. ClinVar contains an entry for this variant (Variation ID: 844585). Invitae Evidence Modeling of protein sequence and biophysical properties (such as structural, functional, and spatial information, amino acid conservation, physicochemical variation, residue mobility, and thermodynamic stability) indicates that this missense variant is not expected to disrupt PCDH19 protein function with a negative predictive value of 95%. In summary, the available evidence is currently insufficient to determine the role of this variant in disease. Therefore, it has been classified as a Variant of Uncertain Significance.